The following is an entry in ClinVar:

ClinVar aggregate classification (germline): Pathogenic (1 of 4 stars; one submission).

Conditions:
TWIST1-related craniosynostosis (CRS1). Also called: CRANIOSYNOSTOSIS 1. Identifiers: Orphanet 63440, MedGen C4551902, MONDO:0007399, OMIM 123100. Inheritance: Heterogenous inheritance pattern.
Saethre-Chotzen syndrome (SCS). Also called: ACROCEPHALY, SKULL ASYMMETRY, AND MILD SYNDACTYLY; ACS III; CHOTZEN SYNDROME. Identifiers: Orphanet 794, MedGen C0175699, MONDO:0007042, OMIM 101400.

Submission:

Labcorp Genetics (formerly Invitae), Labcorp
Classification: Pathogenic for TWIST1-related craniosynostosis; Saethre-Chotzen syndrome. Last evaluated: 2023-05-09. Review status: criteria provided, single submitter. Criteria: Invitae Variant Classification Sherloc (09022015). Collection method: clinical testing. Allele origin: germline.
Comment: This sequence change results in a frameshift in the TWIST1 gene (p.Gln27Profs*211). While this is not anticipated to result in nonsense mediated decay, it is expected to disrupt the last 176 amino acid(s) of the TWIST1 protein and extend the protein by 34 additional amino acid residues. This variant is not present in population databases (gnomAD no frequency). This variant has not been reported in the literature in individuals affected with TWIST1-related conditions. This variant disrupts a region of the TWIST1 protein in which other variant(s) (p.Leu159Phe) have been determined to be pathogenic (PMID: 10094188, 10749989; Invitae). This suggests that this is a clinically significant region of the protein, and that variants that disrupt it are likely to be disease-causing. For these reasons, this variant has been classified as Pathogenic.

Literature cited by the submitters: PubMed 10094188; PubMed 10749989.

NM_000474.4(TWIST1):c.79dup (p.Gln27fs)

Gene: TWIST1 (twist family bHLH transcription factor 1; minus strand). Cytogenetic location: 7p21.1.
Variant type: Duplication.
Coding change: c.79dup on transcript NM_000474.4 (MANE Select); coding-DNA position 79, one base duplicated (C; older notation c.79dupC).
Protein change: p.Gln27fs; shifts the reading frame from glutamine 27.
Molecular consequence: frameshift variant. On other transcripts: non-coding transcript variant (1).
Genome position (GRCh38, 1-based): chr7:19,117,243, G duplicated on the plus strand (C on the coding strand, the reverse complement: TWIST1 is on the minus strand). VCF-style (leftmost placement, unchanged base first): chr7-19117242-T-TG. GRCh37 (hg19) VCF-style: chr7-19156865-T-TG.
Other names: short protein forms Q27fs.
Identifiers: ClinVar variation 2947590 (VCV002947590.3), dbSNP rs2486051798, ClinGen allele CA2740097309.